The following is an entry in ClinVar:

NM_002546.4(TNFRSF11B):c.885T>A (p.Leu295=)

Gene: TNFRSF11B (TNF receptor superfamily member 11b; minus strand). Cytogenetic location: 8q24.12.
Variant type: single nucleotide variant.
Coding change: c.885T>A on transcript NM_002546.4 (MANE Select); coding-DNA position 885, T replaced by A.
Protein change: p.Leu295=; no amino-acid change (leucine 295 retained).
Molecular consequence: synonymous variant.
Genome position (GRCh38, 1-based): chr8:118,924,695, A>T on the plus strand (T>A on the coding strand, the complement: TNFRSF11B is on the minus strand). VCF-style: chr8-118924695-A-T. GRCh37 (hg19) VCF-style: chr8-119936934-A-T.
Identifiers: ClinVar variation 197745 (VCV000197745.54), dbSNP rs11573942, ClinGen allele CA203058.

ClinVar aggregate classification (germline): Benign/Likely benign. Review status: criteria provided, multiple submitters, no conflicts (2 of 4 stars). 6 submissions from 6 submitters: Benign (2); Likely benign (4). Last evaluated 2026-02-01.

Conditions:
Hyperphosphatasemia with bone disease (PDB5). Also called: PAGET DISEASE OF BONE 5, JUVENILE-ONSET; Paget disease of bone 5; Osteoectasia familial; HYPEROSTOSIS CORTICALIS DEFORMANS JUVENILIS; HYPERPHOSPHATASEMIA, CHRONIC CONGENITAL IDIOPATHIC; HYPERPHOSPHATASIA, FAMILIAL IDIOPATHIC. Identifiers: Orphanet 2801, MedGen C0268414, MONDO:0009394, OMIM 239000.

Allele frequency attached by ClinVar (database versions not stated): 1000 Genomes Project 0.00240; 1000 Genomes Project 30x 0.00250; gnomAD exomes 0.00295 and 0.00394; ExAC 0.00302; ESP Exome Variant Server 0.00308; gnomAD 0.00322 and 0.00387; TOPMed 0.00326.
gnomAD v4.1: 6,288 of 1,614,178 alleles (0.39%); highest among the groups gnomAD compares: Non-Finnish European, 0.44%; 25 homozygotes.

Submissions (6):

CeGaT Center for Human Genetics Tuebingen
Classification: Likely benign. Last evaluated: 2026-02-01. Review status: criteria provided, single submitter. Criteria: CeGaT Center For Human Genetics Tuebingen Variant Classification Criteria Version 2. Collection method: clinical testing. Allele origin: germline. Affected: yes. Observed: 3 variant alleles.
Comment: TNFRSF11B: BP4, BP7, BS2

Labcorp Genetics (formerly Invitae), Labcorp
Classification: Benign. Last evaluated: 2026-01-26. Review status: criteria provided, single submitter. Criteria: Invitae Variant Classification Sherloc (09022015). Collection method: clinical testing. Allele origin: germline.

Blueprint Genetics
Classification: Likely benign. Last evaluated: 2024-11-25. Review status: criteria provided, single submitter. Criteria: ACMG Guidelines, 2015. Collection method: clinical testing. Allele origin: germline.

Illumina Laboratory Services, Illumina
Classification: Likely benign for Hyperphosphatasemia with bone disease. Last evaluated: 2018-01-12. Review status: criteria provided, single submitter. Criteria: ICSL Variant Classification Criteria 13 December 2019. Collection method: clinical testing. Allele origin: germline.
Comment: This variant was observed in the ICSL laboratory as part of a predisposition screen in an ostensibly healthy population. It had not been previously curated by ICSL or reported in the Human Gene Mutation Database (HGMD: prior to June 1st, 2018), and was therefore a candidate for classification through an automated scoring system. Utilizing variant allele frequency, disease prevalence and penetrance estimates, and inheritance mode, an automated score was calculated to assess if this variant is too frequent to cause the disease. Based on the score and internal cut-off values, a variant classified as likely benign is not then subjected to further curation. The score for this variant resulted in a classification of likely benign for this disease.

Eurofins Ntd Llc (ga)
Classification: Benign. Last evaluated: 2015-06-05. Review status: criteria provided, single submitter. Criteria: EGL Classification Definitions 2015. Collection method: clinical testing. Allele origin: germline. Observed: 1 variant allele, 1 heterozygote.

Breakthrough Genomics
Classification: Likely benign. Review status: criteria provided, single submitter. Criteria: ACMG Guidelines, 2015. Collection method: not provided. Allele origin: germline. Inheritance: Autosomal recessive inheritance. Affected: yes.